The following is an entry in ClinVar:

ClinVar aggregate classification (germline): Pathogenic (1 of 4 stars; one submission).

Conditions:
4p partial monosomy syndrome (WHS). Also called: CHROMOSOME 4p16.3 DELETION SYNDROME; PITT SYNDROME; Wolf-Hirschhorn syndrome; WITTWER SYNDROME. Identifiers: Orphanet 280, MedGen C1956097, MONDO:0008684, OMIM 194190.

Submission:

Broad Center for Mendelian Genomics, Broad Institute of MIT and Harvard
Classification: Pathogenic for 4p partial monosomy syndrome. Last evaluated: 2023-05-01. Review status: criteria provided, single submitter. Criteria: ACMG/ClinGen CNV Guidelines, 2019. Collection method: research. Allele origin: germline. Inheritance: Autosomal dominant inheritance. Affected: yes.
Comment: These breakpoints have been called by exome sequencing only and therefore may not reflect the true breakpoints. The patient phenotype is nonspecific, but is consistent with cases described in the literature and/or published databases with overlapping variants. There is complete overlap with the 4p16.3 terminal (Wolf-Hirschhorn syndrome) region and the MSX1 gene which are known to be haploinsufficient and have been assessed by the ClinGen Dosage Sensitivity Working Group. Data from large population studies are insufficient to assess the frequency of this variant. In summary, this variant meets criteria to be classified as pathogenic for autosomal dominant Wolf-Hirschhorn syndrome. The ACMG/ClinGen evidence codes and points used in this curation are as follows: 1: 0 points, 2: 1 points, 3: 0.90 points, 4-5: 0.1 points Total; 2 points; Riggs 2020 (PMID: 31690835).

Single allele

Genes: ADD1 (adducin 1; plus strand), ADRA2C (adrenoceptor alpha 2C; plus strand), ASPNAT (aspartate N-acetyltransferase; plus strand), ATP5ME (ATP synthase membrane subunit e; minus strand), CFAP99 (cilia and flagella associated protein 99; plus strand) and 318 more. Cytogenetic location: 4p16.3-16.2.
Variant type: Deletion.
Identifiers: ClinVar variation 4819227 (VCV004819227.1).